The following is an entry in ClinVar:

NM_003200.5(TCF3):c.859C>T (p.Leu287Phe)

Gene: TCF3 (transcription factor 3; minus strand). Cytogenetic location: 19p13.3.
Variant type: single nucleotide variant.
Coding change: c.859C>T on transcript NM_003200.5 (MANE Select); coding-DNA position 859, C replaced by T.
Protein change: p.Leu287Phe; replaces leucine 287 with phenylalanine.
Molecular consequence: missense variant.
Genome position (GRCh38, 1-based): chr19:1,621,934, G>A on the plus strand (C>T on the coding strand, the complement: TCF3 is on the minus strand). VCF-style: chr19-1621934-G-A. GRCh37 (hg19) VCF-style: chr19-1621933-G-A.
Other names: c.859C>T, p.Leu287Phe (NM_001136139.4, NM_001351778.2, NM_001351779.2); short protein forms L287F.
Identifiers: ClinVar variation 1509678 (VCV001509678.6), dbSNP rs372073532, ClinGen allele CA9050194.

ClinVar aggregate classification (germline): Uncertain significance (1 of 4 stars; one submission).

Allele frequency attached by ClinVar (database versions not stated): ExAC 0.00001; gnomAD exomes 0.00001 and 0.00002; gnomAD 0.00004; TOPMed 0.00004; ESP Exome Variant Server 0.00015.
gnomAD v4.1: 18 of 1,605,648 alleles (0.0011%); highest among the groups gnomAD compares: African/African-American, 0.004%; no homozygotes.

Submission:

Labcorp Genetics (formerly Invitae), Labcorp
Classification: Uncertain significance. Last evaluated: 2025-10-26. Review status: criteria provided, single submitter. Criteria: Invitae Variant Classification Sherloc (09022015). Collection method: clinical testing. Allele origin: germline.
Comment: This sequence change replaces leucine, which is neutral and non-polar, with phenylalanine, which is neutral and non-polar, at codon 287 of the TCF3 protein (p.Leu287Phe). This variant is present in population databases (rs372073532, gnomAD 0.005%). This variant has not been reported in the literature in individuals affected with TCF3-related conditions. ClinVar contains an entry for this variant (Variation ID: 1509678). Invitae Evidence Modeling of protein sequence and biophysical properties (such as structural, functional, and spatial information, amino acid conservation, physicochemical variation, residue mobility, and thermodynamic stability) indicates that this missense variant is expected to disrupt TCF3 protein function with a positive predictive value of 80%. In summary, the available evidence is currently insufficient to determine the role of this variant in disease. Therefore, it has been classified as a Variant of Uncertain Significance.